The following is an entry in ClinVar:

ClinVar aggregate classification (germline): Pathogenic (1 of 4 stars; one submission).

Submission:

Labcorp Genetics (formerly Invitae), Labcorp
Classification: Pathogenic. Last evaluated: 2022-11-01. Review status: criteria provided, single submitter. Criteria: Invitae Variant Classification Sherloc (09022015). Collection method: clinical testing. Allele origin: germline.
Comment: For these reasons, this variant has been classified as Pathogenic. Retrotransposon insertions including LINE1 (L1), Alu, and SVA (SINE-VNTR-Alu) have been reported to be disease-causing through disruption of either a coding region or splice site (PMID: 19763152, 20307669, 22406018) and loss-of-function variants in KMT2B are known to be pathogenic (PMID: 27839873, 27992417). Algorithms developed to predict the effect of sequence changes on RNA splicing suggest that this variant may disrupt the consensus splice site. This variant has not been reported in the literature in individuals affected with KMT2B-related conditions. This variant is not present in population databases (gnomAD no frequency). This sequence change inserts a large fragment of DNA, likely a transposable element, in exon 18 of the KMT2B gene (c.4480_4481ins?), causing a frameshift at codon 1494 (p.Lys1494fs). The exact size and sequence of the insertion cannot be determined by the current assay. However, the insertion is expected to result in an absent or disrupted protein product.

Literature cited by the submitters: PubMed 19763152; PubMed 20307669; PubMed 22406018; PubMed 27839873; PubMed 27992417.

NM_014727.3(KMT2B):c.4480_4481insGGGCGCCACGGCTCTAGTCTGGGCCTTCTCAGTACTTGCCCAAAATAGAAACGCTTTCTGAAAACTAATAACNNNNNNNNNNTCTGGGCCACAAGACCCAACACCTTAAACCAGATGTCAAAGAAAGAAGCCACGGGAAGTAAACACTTTGCTTATGA (p.Lys1494delinsArgAlaProArgLeuTer)

Gene: KMT2B (lysine methyltransferase 2B; plus strand). Cytogenetic location: 19q13.12.
Variant type: Insertion.
Coding change: c.4480_4481insGGGCGCCACGGCTCTAGTCTGGGCCTTCTCAGTACTTGCCCAAAATAGAAACGCTTTCTGAAAACTAATAACNNNNNNNNNNTCTGGGCCACAAGACCCAACACCTTAAACCAGATGTCAAAGAAAGAAGCCACGGGAAGTAAACACTTTGCTTATGA on transcript NM_014727.3 (MANE Select); coding-DNA positions 4480 to 4481, GGGCGCCACGGCTCTAGTCTGGGCCTTCTCAGTACTTGCCCAAAATAGAAACGCTTTCTGAAAACTAATAACNNNNNNNNNNTCTGGGCCACAAGACCCAACACCTTAAACCAGATGTCAAAGAAAGAAGCCACGGGAAGTAAACACTTTGCTTATGA inserted.
Protein change: p.Lys1494delinsArgAlaProArgLeuTer.
Molecular consequence: nonsense.
Genome position: GRCh38: chr19:35,727,968-35,727,969. GRCh37 (hg19): chr19:36,218,869-36,218,870.
Identifiers: ClinVar variation 2120147 (VCV002120147.4), dbSNP rs2513338680.